The following is an entry in ClinVar:

ClinVar aggregate classification (germline): Uncertain significance. Review status: criteria provided, multiple submitters, no conflicts (2 of 4 stars). 2 submissions from 2 submitters: Uncertain significance (2). Last evaluated 2024-04-01.

Conditions:
Charcot-Marie-Tooth disease type 4. Also called: Charcot-Marie-Tooth disease, type IV; Charcot-Marie-Tooth, Type 4. Identifiers: Orphanet 64749, MedGen C4082197, MONDO:0018995.

Allele frequency attached by ClinVar (database versions not stated): TOPMed 0.00002.

Submissions (2):

CeGaT Center for Human Genetics Tuebingen
Classification: Uncertain significance. Last evaluated: 2024-04-01. Review status: criteria provided, single submitter. Criteria: CeGaT Center For Human Genetics Tuebingen Variant Classification Criteria Version 2. Collection method: clinical testing. Allele origin: germline. Affected: yes. Observed: 1 variant allele.
Comment: FIG4: PM2

Labcorp Genetics (formerly Invitae), Labcorp
Classification: Uncertain significance for Charcot-Marie-Tooth disease type 4. Last evaluated: 2022-04-20. Review status: criteria provided, single submitter. Criteria: Invitae Variant Classification Sherloc (09022015). Collection method: clinical testing. Allele origin: germline.
Comment: This sequence change replaces alanine, which is neutral and non-polar, with serine, which is neutral and polar, at codon 6 of the FIG4 protein (p.Ala6Ser). The frequency data for this variant in the population databases is considered unreliable, as metrics indicate poor data quality at this position in the gnomAD database. This variant has not been reported in the literature in individuals affected with FIG4-related conditions. ClinVar contains an entry for this variant (Variation ID: 840697). Algorithms developed to predict the effect of missense changes on protein structure and function (SIFT, PolyPhen-2, Align-GVGD) all suggest that this variant is likely to be tolerated. In summary, the available evidence is currently insufficient to determine the role of this variant in disease. Therefore, it has been classified as a Variant of Uncertain Significance.

NM_014845.6(FIG4):c.16G>T (p.Ala6Ser)

Gene: FIG4 (FIG4 phosphoinositide 5-phosphatase; plus strand). Cytogenetic location: 6q21.
Variant type: single nucleotide variant.
Coding change: c.16G>T on transcript NM_014845.6 (MANE Select); coding-DNA position 16, G replaced by T.
Protein change: p.Ala6Ser; replaces alanine 6 with serine.
Molecular consequence: missense variant.
Genome position (GRCh38, 1-based): chr6:109,691,451, G>T. VCF-style: chr6-109691451-G-T. GRCh37 (hg19) VCF-style: chr6-110012654-G-T.
Other names: short protein forms A6S.
Identifiers: ClinVar variation 840697 (VCV000840697.26), dbSNP rs868101103, ClinGen allele CA365206492.